The following is an entry in ClinVar:

ClinVar aggregate classification (germline): Likely pathogenic (1 of 4 stars; one submission).

Conditions:
Developmental and epileptic encephalopathy 94 (DEE94). Also called: CHD2-Related Neurodevelopmental Disorders; Epileptic encephalopathy, childhood-onset. Identifiers: Orphanet 1942, Orphanet 2382, MedGen C3809278, MONDO:0014150, OMIM 615369.

Submission:

Labcorp Genetics (formerly Invitae), Labcorp
Classification: Likely pathogenic for Developmental and epileptic encephalopathy 94. Last evaluated: 2025-01-06. Review status: criteria provided, single submitter. Criteria: Invitae Variant Classification Sherloc (09022015). Collection method: clinical testing. Allele origin: germline.
Comment: This sequence change replaces arginine, which is basic and polar, with proline, which is neutral and non-polar, at codon 621 of the CHD2 protein (p.Arg621Pro). This variant is not present in population databases (gnomAD no frequency). This variant has not been reported in the literature in individuals affected with CHD2-related conditions. ClinVar contains an entry for this variant (Variation ID: 1510577). Invitae Evidence Modeling of protein sequence and biophysical properties (such as structural, functional, and spatial information, amino acid conservation, physicochemical variation, residue mobility, and thermodynamic stability) indicates that this missense variant is expected to disrupt CHD2 protein function with a positive predictive value of 95%. This variant disrupts the p.Arg621 amino acid residue in CHD2. Other variant(s) that disrupt this residue have been determined to be pathogenic (PMID: 31170314). This suggests that this residue is clinically significant, and that variants that disrupt this residue are likely to be disease-causing. In summary, the currently available evidence indicates that the variant is pathogenic, but additional data are needed to prove that conclusively. Therefore, this variant has been classified as Likely Pathogenic.

Literature cited by the submitters: PubMed 31170314.

NM_001271.4(CHD2):c.1862G>C (p.Arg621Pro)

Gene: CHD2 (chromodomain helicase DNA binding protein 2; plus strand). Cytogenetic location: 15q26.1.
Variant type: single nucleotide variant.
Coding change: c.1862G>C on transcript NM_001271.4 (MANE Select); coding-DNA position 1862, G replaced by C.
Protein change: p.Arg621Pro; replaces arginine 621 with proline.
Molecular consequence: missense variant.
Genome position (GRCh38, 1-based): chr15:92,956,511, G>C. VCF-style: chr15-92956511-G-C. GRCh37 (hg19) VCF-style: chr15-93499741-G-C.
Other names: short protein forms R621P.
Identifiers: ClinVar variation 1510577 (VCV001510577.8), dbSNP rs2141816539, ClinGen allele CA393906226.